The following is an entry in ClinVar:

NM_004204.5(PIGQ):c.752G>A (p.Arg251Gln)

Gene: PIGQ (phosphatidylinositol glycan anchor biosynthesis class Q; plus strand). Cytogenetic location: 16p13.3.
Variant type: single nucleotide variant.
Coding change: c.752G>A on transcript NM_004204.5 (MANE Select); coding-DNA position 752, G replaced by A.
Protein change: p.Arg251Gln; replaces arginine 251 with glutamine.
Molecular consequence: missense variant.
Genome position (GRCh38, 1-based): chr16:575,901, G>A. VCF-style: chr16-575901-G-A. GRCh37 (hg19) VCF-style: chr16-625901-G-A.
Other names: c.752G>A (NM_148920.1); c.752G>A, p.Arg251Gln (NM_148920.4); short protein forms R251Q.
Identifiers: ClinVar variation 526291 (VCV000526291.16), dbSNP rs142432798, ClinGen allele CA7779967.

ClinVar aggregate classification (germline): Likely benign. Review status: criteria provided, multiple submitters, no conflicts (2 of 4 stars). 4 submissions from 4 submitters: Likely benign (3). 1 of the submissions does not count toward it. Last evaluated 2025-12-26.

Conditions:
Inborn genetic diseases. Identifiers: MedGen C0950123, MeSH D030342.
PIGQ-related disorder. Also called: PIGQ-related condition.
Epilepsy. Also called: Seizure disorder. Identifiers: MedGen C0014544, MeSH D004827, MONDO:0005027.

Allele frequency attached by ClinVar (database versions not stated): gnomAD exomes 0.00020 and 0.00039; ExAC 0.00093; 1000 Genomes Project 0.00100; 1000 Genomes Project 30x 0.00109; gnomAD 0.00146 and 0.00158; ESP Exome Variant Server 0.00154; TOPMed 0.00179.

Submissions (4):

Labcorp Genetics (formerly Invitae), Labcorp
Classification: Likely benign for Epilepsy. Last evaluated: 2025-12-26. Review status: criteria provided, single submitter. Criteria: Invitae Variant Classification Sherloc (09022015). Collection method: clinical testing. Allele origin: germline.

Ambry Genetics
Classification: Likely benign for Inborn genetic diseases. Last evaluated: 2024-11-12. Review status: criteria provided, single submitter. Criteria: Ambry Variant Classification Scheme 2023. Collection method: clinical testing. Allele origin: germline.

Blueprint Genetics
Classification: Likely benign. Last evaluated: 2024-08-30. Review status: criteria provided, single submitter. Criteria: ACMG Guidelines, 2015. Collection method: clinical testing. Allele origin: germline.

PreventionGenetics, part of Exact Sciences
Classification: Likely benign for PIGQ-related condition. Last evaluated: 2021-09-02. Review status: no assertion criteria provided. Collection method: clinical testing. Allele origin: germline. Not counted in ClinVar's aggregate classification.
Comment: This variant is classified as likely benign based on ACMG/AMP sequence variant interpretation guidelines (Richards et al. 2015 PMID: 25741868, with internal and published modifications).